The following is an entry in ClinVar:

ClinVar aggregate classification (germline): Pathogenic (1 of 4 stars; one submission).

Conditions:
Leber congenital amaurosis 1 (LCA1). Also called: Congenital absence of the rods and cones; Leber's congenital tapetoretinal degeneration; Leber's congenital tapetoretinal dysplasia; RETINAL BLINDNESS, CONGENITAL; AMAUROSIS CONGENITA OF LEBER I. Identifiers: Orphanet 65, MedGen C2931258, MONDO:0008764, OMIM 204000.
Cone-rod dystrophy 6 (CORD6). Also called: RETINAL CONE DYSTROPHY 2; Cone dystrophy progressive. Identifiers: Orphanet 1872, MedGen C1866293, MONDO:0011143, OMIM 601777.

Submission:

Labcorp Genetics (formerly Invitae), Labcorp
Classification: Pathogenic for Leber congenital amaurosis 1; Cone-rod dystrophy 6. Last evaluated: 2022-08-09. Review status: criteria provided, single submitter. Criteria: Invitae Variant Classification Sherloc (09022015). Collection method: clinical testing. Allele origin: germline.
Comment: This variant has not been reported in the literature in individuals affected with GUCY2D-related conditions. This variant is not present in population databases (gnomAD no frequency). This sequence change creates a premature translational stop signal (p.Pro287Glnfs*108) in the GUCY2D gene. It is expected to result in an absent or disrupted protein product. Loss-of-function variants in GUCY2D are known to be pathogenic (PMID: 10951519, 11328726). For these reasons, this variant has been classified as Pathogenic.

Literature cited by the submitters: PubMed 10951519; PubMed 11328726.

NM_000180.4(GUCY2D):c.860del (p.Pro287fs)

Gene: GUCY2D (guanylate cyclase 2D, retinal; plus strand). Cytogenetic location: 17p13.1.
Variant type: Deletion.
Coding change: c.860del on transcript NM_000180.4 (MANE Select); coding-DNA position 860, one base deleted (C; older notation c.860delC).
Protein change: p.Pro287fs; shifts the reading frame from proline 287.
Molecular consequence: frameshift variant.
Genome position (GRCh38, 1-based): chr17:8,003,990, C deleted; the last of 4 consecutive C bases (chr17:8,003,987-8,003,990); deleting any one gives the same sequence. VCF-style (leftmost placement, unchanged base first): chr17-8003986-TC-T. GRCh37 (hg19) VCF-style: chr17-7907304-TC-T.
Other names: short protein forms P287fs.
Identifiers: ClinVar variation 2021991 (VCV002021991.4), dbSNP rs2545418704, ClinGen allele CA2580094914.